The following is an entry in ClinVar:

ClinVar aggregate classification (germline): Uncertain significance (1 of 4 stars; one submission).

Submission:

Dasa
Classification: Uncertain significance. Last evaluated: 2025-01-30. Review status: criteria provided, single submitter. Criteria: DASA Assertion Criteria. Collection method: clinical testing. Allele origin: germline.
Comment: NM_007325.5(GRIA3):c.2527T>G (p.Leu843Val) is a missense variant that results in the substitution of leucine with valine. This variant is absent from population databases. Computational prediction algorithms are consistent with a benign effect. The currently available literature and clinical evidence are not sufficient to establish a definitive association between this variant and the reported condition. Therefore, this variant is classified as a variant of uncertain significance.

NM_007325.5(GRIA3):c.2527T>G (p.Leu843Val)

Gene: GRIA3 (glutamate ionotropic receptor AMPA type subunit 3; plus strand). Cytogenetic location: Xq25.
Variant type: single nucleotide variant.
Coding change: c.2527T>G on transcript NM_007325.5 (MANE Select); coding-DNA position 2527, T replaced by G.
Protein change: p.Leu843Val; replaces leucine 843 with valine.
Molecular consequence: missense variant.
Genome position (GRCh38, 1-based): chrX:123,482,886, T>G. VCF-style: chrX-123482886-T-G. GRCh37 (hg19) VCF-style: chrX-122616737-T-G.
Other names: c.2527T>G, p.Leu843Val (NM_000828.5); short protein forms L843V.
Identifiers: ClinVar variation 5021007 (VCV005021007.1).